The following is an entry in ClinVar:

ClinVar aggregate classification (germline): Uncertain significance (1 of 4 stars; one submission).

Submission:

GeneDx
Classification: Uncertain significance. Last evaluated: 2022-06-14. Review status: criteria provided, single submitter. Criteria: GeneDx Variant Classification Process June 2021. Collection method: clinical testing. Allele origin: germline. Affected: yes.
Comment: Not observed at significant frequency in large population cohorts (gnomAD); In silico analysis supports that this missense variant has a deleterious effect on protein structure/function; Has not been previously published as pathogenic or benign to our knowledge

NM_001378418.1(TCF20):c.1343T>C (p.Leu448Pro)

Gene: TCF20 (transcription factor 20; minus strand). Cytogenetic location: 22q13.2.
Variant type: single nucleotide variant.
Coding change: c.1343T>C on transcript NM_001378418.1 (MANE Select); coding-DNA position 1343, T replaced by C.
Protein change: p.Leu448Pro; replaces leucine 448 with proline.
Molecular consequence: missense variant.
Genome position (GRCh38, 1-based): chr22:42,213,963, A>G on the plus strand (T>C on the coding strand, the complement: TCF20 is on the minus strand). VCF-style: chr22-42213963-A-G. GRCh37 (hg19) VCF-style: chr22-42609969-A-G.
Other names: c.1343T>C, p.Leu448Pro (NM_005650.4, NM_181492.3); short protein forms L448P.
Identifiers: ClinVar variation 1804355 (VCV001804355.1), dbSNP rs1337121509, ClinGen allele CA411791021.
Genomic context (GRCh38, chr22:42,213,963, plus strand): 5'-TTAGGAAGATTGGCCACTTGAGTACTCAGAGCACTCAAACTACTCAACCCAGGATCTGTC[A>G]GTCGCTTTTCTGGTACCCCTTCTAGTCCAAACCCTTTGAAGCCTGCAGCATGAGAATTAG-3'
Protein context (NP_001365347.1, residues 438-458): FGLEGVPEKR[Leu448Pro]TDPGLSSLSA